The following is an entry in ClinVar:

NM_000070.3(CAPN3):c.1715G>C (p.Arg572Pro)

Gene: CAPN3 (calpain 3; plus strand). Cytogenetic location: 15q15.1.
Variant type: single nucleotide variant.
Coding change: c.1715G>C on transcript NM_000070.3 (MANE Select); coding-DNA position 1715, G replaced by C.
Protein change: p.Arg572Pro; replaces arginine 572 with proline.
Molecular consequence: missense variant.
Genome position (GRCh38, 1-based): chr15:42,402,972, G>C. VCF-style: chr15-42402972-G-C. GRCh37 (hg19) VCF-style: chr15-42695170-G-C.
Other names: c.1715G>C, p.Arg572Pro (NM_024344.2); c.1571G>C, p.Arg524Pro (NM_173087.2); c.179G>C, p.Arg60Pro (NM_173088.2); short protein forms R572P, R60P, R524P.
Identifiers: ClinVar variation 287131 (VCV000287131.12), dbSNP rs121434544, ClinGen allele CA10605677.

ClinVar aggregate classification (germline): Uncertain significance. Review status: criteria provided, multiple submitters, no conflicts (2 of 4 stars). 3 submissions from 3 submitters: Uncertain significance (2). 1 of the submissions does not count toward it. Last evaluated 2024-01-22.

Conditions:
Muscular dystrophy, limb-girdle, autosomal dominant 4. Also called: Calpain-3-related limb-girdle muscular dystrophy D4; MUSCULAR DYSTROPHY, LIMB-GIRDLE, TYPE 1I. Identifiers: Orphanet 565909, MedGen C4748295, MONDO:0029133, OMIM 618129.
Autosomal recessive limb-girdle muscular dystrophy type 2A (LGMDR1). Also called: Calpainopathy; MUSCULAR DYSTROPHY, PELVOFEMORAL; Limb-girdle muscular dystrophy, type 2A; Muscular dystrophy, limb-girdle, type 2A, Amish; LEYDEN-MOEBIUS MUSCULAR DYSTROPHY. Identifiers: Orphanet 267, MedGen C1869123, MONDO:0009675, OMIM 253600. Disease mechanism: loss of function.

gnomAD v4.1: 2 of 1,614,078 alleles (0.00012%); highest among the groups gnomAD compares: Non-Finnish European, 0.00017%; no homozygotes.

Submissions (3):

Labcorp Genetics (formerly Invitae), Labcorp
Classification: Uncertain significance for Autosomal recessive limb-girdle muscular dystrophy type 2A. Last evaluated: 2024-01-22. Review status: criteria provided, single submitter. Criteria: Invitae Variant Classification Sherloc (09022015). Collection method: clinical testing. Allele origin: germline.
Comment: This sequence change replaces arginine, which is basic and polar, with proline, which is neutral and non-polar, at codon 572 of the CAPN3 protein (p.Arg572Pro). This variant is not present in population databases (gnomAD no frequency). This missense change has been observed in individual(s) with autosomal dominant limb-girdle muscular dystrophy (PMID: 16141003, 32557990). It has also been observed to segregate with disease in related individuals. ClinVar contains an entry for this variant (Variation ID: 287131). Advanced modeling of protein sequence and biophysical properties (such as structural, functional, and spatial information, amino acid conservation, physicochemical variation, residue mobility, and thermodynamic stability) performed at Invitae indicates that this missense variant is expected to disrupt CAPN3 protein function with a positive predictive value of 80%. Experimental studies have shown that this missense change affects CAPN3 function (PMID: 32557990). In summary, the available evidence is currently insufficient to determine the role of this variant in disease. Therefore, it has been classified as a Variant of Uncertain Significance.

Eurofins Ntd Llc (ga)
Classification: Uncertain significance. Last evaluated: 2016-03-29. Review status: criteria provided, single submitter. Criteria: EGL Classification Definitions 2015. Collection method: clinical testing. Allele origin: germline. Observed: 1 variant allele, 1 heterozygote.

Department of Clinical Genetics, Copenhagen University Hospital, Rigshospitalet
Classification: Likely pathogenic for Muscular dystrophy, limb-girdle, autosomal dominant 4. Last evaluated: 2019-01-01. Review status: no assertion criteria provided. Collection method: in vitro. Allele origin: not applicable. Inheritance: Autosomal dominant inheritance. Not counted in ClinVar's aggregate classification.
Comment: Segregate over three generations

Literature cited by the submitters: PubMed 16141003 (cited by Labcorp Genetics (formerly Invitae), Labcorp); PubMed 32557990 (cited by Labcorp Genetics (formerly Invitae), Labcorp).